The following is an entry in ClinVar:

NM_030777.4(SLC2A10):c.278G>T (p.Gly93Val)

Gene: SLC2A10 (solute carrier family 2 member 10; plus strand). Cytogenetic location: 20q13.12.
Variant type: single nucleotide variant.
Coding change: c.278G>T on transcript NM_030777.4 (MANE Select); coding-DNA position 278, G replaced by T.
Protein change: p.Gly93Val; replaces glycine 93 with valine.
Molecular consequence: missense variant.
Genome position (GRCh38, 1-based): chr20:46,725,314, G>T. VCF-style: chr20-46725314-G-T. GRCh37 (hg19) VCF-style: chr20-45353953-G-T.
Other names: short protein forms G93V.
Identifiers: ClinVar variation 1913218 (VCV001913218.2), dbSNP rs769322801, ClinGen allele CA9891947.

ClinVar aggregate classification (germline): Uncertain significance (1 of 4 stars; one submission).

Conditions:
Arterial tortuosity syndrome (ATORS). Identifiers: Orphanet 3342, MedGen C1859726, MONDO:0008818, OMIM 208050.

Allele frequency attached by ClinVar (database versions not stated): gnomAD exomes below 0.00001; ExAC 0.00001.

Submission:

Labcorp Genetics (formerly Invitae), Labcorp
Classification: Uncertain significance for Arterial tortuosity syndrome. Last evaluated: 2022-06-19. Review status: criteria provided, single submitter. Criteria: Invitae Variant Classification Sherloc (09022015). Collection method: clinical testing. Allele origin: germline.
Comment: This sequence change replaces glycine, which is neutral and non-polar, with valine, which is neutral and non-polar, at codon 93 of the SLC2A10 protein (p.Gly93Val). This variant is present in population databases (rs769322801, gnomAD 0.003%). This variant has not been reported in the literature in individuals affected with SLC2A10-related conditions. Advanced modeling of protein sequence and biophysical properties (such as structural, functional, and spatial information, amino acid conservation, physicochemical variation, residue mobility, and thermodynamic stability) performed at Invitae indicates that this missense variant is not expected to disrupt SLC2A10 protein function. In summary, the available evidence is currently insufficient to determine the role of this variant in disease. Therefore, it has been classified as a Variant of Uncertain Significance.